The following is an entry in ClinVar:

ClinVar aggregate classification (germline): Uncertain significance (1 of 4 stars; one submission).

Submission:

Dasa
Classification: Uncertain significance. Last evaluated: 2025-12-19. Review status: criteria provided, single submitter. Criteria: DASA Assertion Criteria. Collection method: clinical testing. Allele origin: germline.
Comment: NM_014714.4(IFT140):c.4057C>A (p.Pro1353Thr) is a missense variant that results in the substitution of proline with threonine. This variant is rare in population databases. The currently available literature and clinical evidence are not sufficient to establish a definitive association between this variant and the reported condition. Therefore, this variant is classified as a variant of uncertain significance.

NM_014714.4(IFT140):c.4057C>A (p.Pro1353Thr)

Gene: IFT140 (intraflagellar transport 140; minus strand). Cytogenetic location: 16p13.3.
Variant type: single nucleotide variant.
Coding change: c.4057C>A on transcript NM_014714.4 (MANE Select); coding-DNA position 4057, C replaced by A.
Protein change: p.Pro1353Thr; replaces proline 1353 with threonine.
Molecular consequence: missense variant.
Genome position (GRCh38, 1-based): chr16:1,518,341, G>T on the plus strand (C>A on the coding strand, the complement: IFT140 is on the minus strand). VCF-style: chr16-1518341-G-T. GRCh37 (hg19) VCF-style: chr16-1568342-G-T.
Other names: short protein forms P1353T.
Identifiers: ClinVar variation 4880887 (VCV004880887.2).